The following is an entry in ClinVar:

NM_000208.4(INSR):c.1810C>T (p.Arg604Trp)

Gene: INSR (insulin receptor; minus strand). Cytogenetic location: 19p13.2.
Variant type: single nucleotide variant.
Coding change: c.1810C>T on transcript NM_000208.4 (MANE Select); coding-DNA position 1810, C replaced by T.
Protein change: p.Arg604Trp; replaces arginine 604 with tryptophan.
Molecular consequence: missense variant.
Genome position (GRCh38, 1-based): chr19:7,166,205, G>A on the plus strand (C>T on the coding strand, the complement: INSR is on the minus strand). VCF-style: chr19-7166205-G-A. GRCh37 (hg19) VCF-style: chr19-7166216-G-A.
Other names: c.1810C>T, p.Arg604Trp (NM_001079817.3); short protein forms R604W.
Identifiers: ClinVar variation 593363 (VCV000593363.8), dbSNP rs777486535, ClinGen allele CA9135752.
Genomic context (GRCh38, chr19:7,166,205, plus strand): 5'-CACACTCACTGGTGGCATCTGTCTGGACATAAATGATGTCACTCTTGGCCCCATAGGTCC[G>A]GCGTTCATCCGAAAAGGTGACCAGGGTCTTCACAAAGATGGCATACTGGGTCCAGGGCTT-3'
Protein context (NP_000199.2, residues 594-614): KTLVTFSDER[Arg604Trp]TYGAKSDIIY

ClinVar aggregate classification (germline): Uncertain significance. Review status: criteria provided, multiple submitters, no conflicts (2 of 4 stars). 2 submissions from 2 submitters: Uncertain significance (2). Last evaluated 2019-03-01.

Conditions:
Leprechaunism syndrome. Also called: LEPRECHAUNISM; Donohue syndrome. Identifiers: Orphanet 508, MedGen C0265344, MONDO:0009517, OMIM 246200.

Allele frequency attached by ClinVar (database versions not stated): gnomAD exomes 0.00001 and 0.00002; gnomAD 0.00002; TOPMed 0.00002; ExAC 0.00003.
gnomAD v4.1: 14 of 1,613,932 alleles (0.00087%); highest among the groups gnomAD compares: Non-Finnish European, 0.0011%; no homozygotes.

Submissions (2):

Centre for Mendelian Genomics, University Medical Centre Ljubljana
Classification: Uncertain significance for Leprechaunism syndrome. Last evaluated: 2019-03-01. Review status: criteria provided, single submitter. Criteria: ACMG Guidelines, 2015. Collection method: clinical testing. Allele origin: unknown. Affected: yes.
Comment: This variant was classified as: Uncertain significance. The available evidence on this variant's pathogenicity is insufficient or conflicting. The following ACMG criteria were applied in classifying this variant: PP3.

Eurofins Ntd Llc (ga)
Classification: Uncertain significance. Last evaluated: 2017-08-01. Review status: criteria provided, single submitter. Criteria: EGL Classification Definitions 2015. Collection method: clinical testing. Allele origin: germline. Observed: 1 variant allele, 1 heterozygote.